The following is an entry in ClinVar:

ClinVar aggregate classification (germline): Uncertain significance (1 of 4 stars; one submission).

Conditions:
TH-deficient dopa-responsive dystonia. Also called: Segawa syndrome, autosomal recessive; Tyrosine Hydroxylase-Deficient Dopa-Responsive Dystonia; DYT-TH. Identifiers: Orphanet 101150, MedGen C2673535, MONDO:0011551, OMIM 605407.

Submission:

Labcorp Genetics (formerly Invitae), Labcorp
Classification: Uncertain significance for TH-deficient dopa-responsive dystonia. Last evaluated: 2019-02-18. Review status: criteria provided, single submitter. Criteria: Invitae Variant Classification Sherloc (09022015). Collection method: clinical testing. Allele origin: germline.
Comment: In summary, the available evidence is currently insufficient to determine the role of this variant in disease. Therefore, it has been classified as a Variant of Uncertain Significance. Algorithms developed to predict the effect of missense changes on protein structure and function (SIFT, PolyPhen-2, Align-GVGD) all suggest that this variant is likely to be tolerated, but these predictions have not been confirmed by published functional studies and their clinical significance is uncertain. This variant has not been reported in the literature in individuals with TH-related conditions. This variant is not present in population databases (ExAC no frequency). This sequence change replaces isoleucine with leucine at codon 260 of the TH protein (p.Ile260Leu). The isoleucine residue is highly conserved and there is a small physicochemical difference between isoleucine and leucine.

NM_000360.4(TH):c.685A>C (p.Ile229Leu)

Gene: TH (tyrosine hydroxylase; minus strand). Cytogenetic location: 11p15.5.
Variant type: single nucleotide variant.
Coding change: c.685A>C on transcript NM_000360.4 (MANE Select); coding-DNA position 685, A replaced by C.
Protein change: p.Ile229Leu; replaces isoleucine 229 with leucine.
Molecular consequence: missense variant.
Genome position (GRCh38, 1-based): chr11:2,167,445, T>G on the plus strand (A>C on the coding strand, the complement: TH is on the minus strand). VCF-style: chr11-2167445-T-G. GRCh37 (hg19) VCF-style: chr11-2188675-T-G.
Other names: c.778A>C, p.Ile260Leu (NM_199292.3); c.766A>C, p.Ile256Leu (NM_199293.3); short protein forms I256L, I229L, I260L.
Identifiers: ClinVar variation 834169 (VCV000834169.9), dbSNP rs778613708, ClinGen allele CA379127327.